The following is an entry in ClinVar:

NM_020639.3(RIPK4):c.86G>T (p.Gly29Val)

Gene: RIPK4 (receptor interacting serine/threonine kinase 4; minus strand). Cytogenetic location: 21q22.3.
Variant type: single nucleotide variant.
Coding change: c.86G>T on transcript NM_020639.3 (MANE Select); coding-DNA position 86, G replaced by T.
Protein change: p.Gly29Val; replaces glycine 29 with valine.
Molecular consequence: missense variant.
Genome position (GRCh38, 1-based): chr21:41,766,956, C>A on the plus strand (G>T on the coding strand, the complement: RIPK4 is on the minus strand). VCF-style: chr21-41766956-C-A. GRCh37 (hg19) VCF-style: chr21-43187116-C-A.
Other names: short protein forms G29V.
Identifiers: ClinVar variation 4857488 (VCV004857488.1).

ClinVar aggregate classification (germline): Uncertain significance (1 of 4 stars; one submission).

Conditions:
Bartsocas-Papas syndrome 1. Also called: MULTIPLE PTERYGIUM SYNDROME, ASLAN TYPE; PTERYGIUM, POPLITEAL, LETHAL TYPE; Bartsocas-Papas syndrome. Identifiers: Orphanet 1234, MedGen C1849718, MONDO:0009901, OMIM 263650.

Submission:

Suma Genomics
Classification: Uncertain significance for Bartsocas-Papas syndrome 1. Review status: criteria provided, single submitter. Criteria: ACMG Guidelines, 2015. Collection method: clinical testing. Allele origin: germline. Inheritance: Autosomal recessive inheritance. Affected: yes. Observed: 1 variant allele, 1 homozygote.
Comment: This variant is not observed in the gnomAD database. In-silico analysis tool REVEL is consistent in predicting this variant to be disease-causing. Biallelic loss-of-function variants in RIPK4 are associated with CHAND syndrome (MIM# 214350) and Popliteal pterygium syndrome, Bartsocas-Papas type 1 (MIM# 263650). ACMG classification: Variant of uncertain significance Criteria met: PM2_Supporting: Extremely low frequency in gnomAD population databases PP3_Moderate: For a missense variant, computational prediction tools unanimously support a deleterious effect on the gene